The following is an entry in ClinVar:

NM_004818.3(DDX23):c.1171C>T (p.Arg391Ter)

Gene: DDX23 (DEAD-box helicase 23; minus strand). Cytogenetic location: 12q13.12.
Variant type: single nucleotide variant.
Coding change: c.1171C>T on transcript NM_004818.3 (MANE Select); coding-DNA position 1171, C replaced by T.
Protein change: p.Arg391Ter; replaces arginine 391 with a stop codon.
Molecular consequence: nonsense.
Genome position (GRCh38, 1-based): chr12:48,836,634, G>A on the plus strand (C>T on the coding strand, the complement: DDX23 is on the minus strand). VCF-style: chr12-48836634-G-A. GRCh37 (hg19) VCF-style: chr12-49230417-G-A.
Other names: short protein forms R391*.
Identifiers: ClinVar variation 3252770 (VCV003252770.1), dbSNP rs1167470587.

ClinVar aggregate classification (germline): Uncertain significance (1 of 4 stars; one submission).

Allele frequency attached by ClinVar (database versions not stated): gnomAD exomes below 0.00001; TOPMed below 0.00001; gnomAD 0.00001.
gnomAD v4.1: 2 of 1,614,056 alleles (0.00012%); highest among the groups gnomAD compares: Non-Finnish European, 0.00017%; no homozygotes.

Submission:

GeneDx
Classification: Uncertain significance. Last evaluated: 2023-08-02. Review status: criteria provided, single submitter. Criteria: GeneDx Variant Classification Process June 2021. Collection method: clinical testing. Allele origin: germline. Affected: yes.
Comment: Not observed at significant frequency in large population cohorts (gnomAD); Nonsense variant predicted to result in protein truncation or nonsense mediated decay in a gene or region of a gene for which loss of function is not a well-established mechanism of disease; Has not been previously published as pathogenic or benign to our knowledge